The following is an entry in ClinVar:

ClinVar aggregate classification (germline): Likely pathogenic (1 of 4 stars; one submission).

Conditions:
Dilated cardiomyopathy 1G (CMD1G). Identifiers: Orphanet 154, MedGen C1858763, MONDO:0011400, OMIM 604145.
Autosomal recessive limb-girdle muscular dystrophy type 2J (LGMDR10). Also called: Limb-girdle muscular dystrophy, type 2J; MUSCULAR DYSTROPHY, LIMB-GIRDLE, AUTOSOMAL RECESSIVE 10. Identifiers: Orphanet 140922, MedGen C1837342, MONDO:0012127, OMIM 608807.

Submission:

Labcorp Genetics (formerly Invitae), Labcorp
Classification: Likely pathogenic for Dilated cardiomyopathy 1G; Autosomal recessive limb-girdle muscular dystrophy type 2J. Last evaluated: 2024-01-13. Review status: criteria provided, single submitter. Criteria: Invitae Variant Classification Sherloc (09022015). Collection method: clinical testing. Allele origin: germline.
Comment: This sequence change creates a premature translational stop signal (p.Ser20360Leufs*4) in the TTN gene. While this is not anticipated to result in nonsense mediated decay, it is expected to create a truncated TTN protein. This variant is not present in population databases (gnomAD no frequency). This premature translational stop signal has been observed in individual(s) with clinical features of dilated cardiomyopathy (Invitae). This variant is located in the A band of TTN (PMID: 25589632). Truncating variants in this region are significantly overrepresented in patients affected with dilated cardiomyopathy (PMID: 25589632). Truncating variants in this region have also been reported in individuals affected with autosomal recessive centronuclear myopathy (PMID: 23975875). In summary, the currently available evidence indicates that the variant is pathogenic, but additional data are needed to prove that conclusively. Therefore, this variant has been classified as Likely Pathogenic.

Literature cited by the submitters: PubMed 25589632; PubMed 23975875.

NM_001267550.2(TTN):c.61079del (p.Ser20360fs)

Genes: TTN (titin; minus strand), TTN-AS1 (TTN antisense RNA 1; plus strand). Cytogenetic location: 2q31.2.
Variant type: Deletion.
Coding change: c.61079del on transcript NM_001267550.2 (MANE Select); coding-DNA position 61079, one base deleted (C; older notation c.61079delC).
Protein change: p.Ser20360fs; shifts the reading frame from serine 20360.
Molecular consequence: frameshift variant.
Genome position (GRCh38, 1-based): chr2:178,590,646, G deleted on the plus strand (C on the coding strand, the reverse complement: TTN is on the minus strand). VCF-style (leftmost placement, unchanged base first): chr2-178590645-AG-A. GRCh37 (hg19) VCF-style: chr2-179455372-AG-A.
Other names: c.56156del, p.Ser18719fs (NM_001256850.1); c.33884del, p.Ser11295fs (NM_003319.4); c.53375del, p.Ser17792fs (NM_133378.4); c.34259del, p.Ser11420fs (NM_133432.3); c.34460del, p.Ser11487fs (NM_133437.4); short protein forms S11420fs, S11295fs, S11487fs, S18719fs, S17792fs, S20360fs.
Identifiers: ClinVar variation 2949604 (VCV002949604.3), dbSNP rs2469444820, ClinGen allele CA2740096088.